The following is an entry in ClinVar:

NM_000051.4(ATM):c.1899-14T>C

Gene: ATM (ATM serine/threonine kinase; plus strand). Cytogenetic location: 11q22.3.
Variant type: single nucleotide variant.
Coding change: c.1899-14T>C on transcript NM_000051.4 (MANE Select); 14 bases into the intron before coding-DNA position 1899, T replaced by C.
Molecular consequence: intron variant.
Genome position (GRCh38, 1-based): chr11:108,253,800, T>C. VCF-style: chr11-108253800-T-C. GRCh37 (hg19) VCF-style: chr11-108124527-T-C.
Other names: c.1899-14T>C (NM_001351834.2, NM_000051.3).
Identifiers: ClinVar variation 1557012 (VCV001557012.12), dbSNP rs2135365137, ClinGen allele CA2573146752.

ClinVar aggregate classification (germline): Conflicting classifications of pathogenicity. Review status: criteria provided, conflicting classifications (1 of 4 stars). 6 submissions from 6 submitters: Uncertain significance (1); Likely benign (5). Last evaluated 2026-01-26.

Conditions:
Hereditary cancer-predisposing syndrome. Also called: Neoplastic Syndromes, Hereditary; Hereditary Cancer Syndrome; Hereditary neoplastic syndrome; Tumor predisposition. Identifiers: Orphanet 140162, MedGen C0027672, MeSH D009386, MONDO:0015356.
Ataxia-telangiectasia syndrome (AT). Also called: Cerebello-oculocutaneous telangiectasia; Immunodeficiency with ataxia telangiectasia; LOUIS-BAR SYNDROME; Ataxia-telangiectasia, complementation group D; AT, COMPLEMENTATION GROUP C; Ataxia-telangiectasia. Identifiers: Orphanet 100, MedGen C0004135, MONDO:0008840, OMIM 208900.
Familial cancer of breast. Also called: hereditary breast carcinoma; BREAST CANCER, FAMILIAL; Hereditary breast cancer. Identifiers: Orphanet 227535, MedGen C0346153, MONDO:0016419, OMIM 114480. Disease mechanism: loss of function.

Allele frequency attached by ClinVar (database versions not stated): gnomAD exomes below 0.00001.
gnomAD v4.1: 6 of 1,601,562 alleles (0.00037%); highest among the groups gnomAD compares: Non-Finnish European, 0.00051%; no homozygotes.

Submissions (6):

Labcorp Genetics (formerly Invitae), Labcorp
Classification: Likely benign for Ataxia-telangiectasia syndrome. Last evaluated: 2026-01-26. Review status: criteria provided, single submitter. Criteria: Invitae Variant Classification Sherloc (09022015). Collection method: clinical testing. Allele origin: germline.

Center for Genomic Medicine, Rigshospitalet, Copenhagen University Hospital
Classification: Uncertain significance. Last evaluated: 2025-12-29. Review status: criteria provided, single submitter. Criteria: ACMG Guidelines, 2015. Collection method: clinical testing. Allele origin: germline.
Comment: Classification criteria: PM2_supporting, PP3

Ambry Genetics
Classification: Likely benign for Hereditary cancer-predisposing syndrome. Last evaluated: 2025-09-05. Review status: criteria provided, single submitter. Criteria: Ambry Variant Classification Scheme 2023. Collection method: clinical testing. Allele origin: germline.

Myriad Genetics, Inc.
Classification: Likely benign for Familial cancer of breast. Last evaluated: 2024-05-02. Review status: criteria provided, single submitter. Criteria: Myriad Autosomal Dominant, Autosomal Recessive and X-Linked Classification Criteria (2023). Collection method: clinical testing. Allele origin: unknown.
Comment: This variant is considered likely benign. This variant is intronic and is not expected to impact mRNA splicing.

Department of Pathology and Laboratory Medicine, Sinai Health System
Classification: Likely benign for Familial cancer of breast; Ataxia-telangiectasia syndrome. Last evaluated: 2023-09-25. Review status: criteria provided, single submitter. Criteria: ACMG Guidelines, 2015. Collection method: clinical testing. Allele origin: germline. Affected: no.

Color Diagnostics, LLC DBA Color Health
Classification: Likely benign for Hereditary cancer-predisposing syndrome. Last evaluated: 2021-07-28. Review status: criteria provided, single submitter. Criteria: ACMG Guidelines, 2015. Collection method: clinical testing. Allele origin: germline.